The following is an entry in ClinVar:

ClinVar aggregate classification (germline): Likely benign (1 of 4 stars; one submission).

Allele frequency attached by ClinVar (database versions not stated): ExAC 0.00082; ESP Exome Variant Server 0.00105; gnomAD 0.00122; 1000 Genomes Project 0.00220; 1000 Genomes Project 30x 0.00359.
gnomAD v4.1: 554 of 1,606,564 alleles (0.034%); highest among the groups gnomAD compares: African/African-American, 0.41%; 8 homozygotes.

Submission:

CeGaT Center for Human Genetics Tuebingen
Classification: Likely benign. Last evaluated: 2026-06-01. Review status: criteria provided, single submitter. Criteria: CeGaT Center For Human Genetics Tuebingen Variant Classification Criteria Version 2. Collection method: clinical testing. Allele origin: germline. Affected: yes. Observed: 4 variant alleles.
Comment: AHNAK2: BP4, BP7

NM_138420.4(AHNAK2):c.12858A>G (p.Leu4286=)

Gene: AHNAK2 (AHNAK nucleoprotein 2; minus strand). Cytogenetic location: 14q32.33.
Variant type: single nucleotide variant.
Coding change: c.12858A>G on transcript NM_138420.4 (MANE Select); coding-DNA position 12858, A replaced by G.
Protein change: p.Leu4286=; no amino-acid change (leucine 4286 retained).
Molecular consequence: synonymous variant.
Genome position (GRCh38, 1-based): chr14:104,942,593, T>C on the plus strand (A>G on the coding strand, the complement: AHNAK2 is on the minus strand). VCF-style: chr14-104942593-T-C. GRCh37 (hg19) VCF-style: chr14-105408930-T-C.
Other names: c.12558A>G, p.Leu4186= (NM_001350929.2).
Identifiers: ClinVar variation 2644640 (VCV002644640.24), dbSNP rs137933016, ClinGen allele CA7378166.